The following is an entry in ClinVar:

ClinVar aggregate classification (germline): Conflicting classifications of pathogenicity. Review status: criteria provided, conflicting classifications (1 of 4 stars). 8 submissions from 8 submitters: Uncertain significance (7); Benign (1). Last evaluated 2026-06-23.

Conditions:
Hereditary cancer-predisposing syndrome. Also called: Tumor predisposition; Hereditary neoplastic syndrome; Neoplastic Syndromes, Hereditary; Hereditary Cancer Syndrome. Identifiers: Orphanet 140162, MedGen C0027672, MeSH D009386, MONDO:0015356.
Inherited breast cancer and ovarian cancer.
Breast-ovarian cancer, familial, susceptibility to, 3. Also called: RAD51C-Related Breast/Ovarian Cancer. Identifiers: Orphanet 145, MedGen C3150659, MONDO:0013253, OMIM 613399.
Fanconi anemia complementation group O. Also called: RAD51C-Related Fanconi Anemia. Identifiers: Orphanet 84, MedGen C3150653, MONDO:0013248, OMIM 613390.

Allele frequency attached by ClinVar (database versions not stated): gnomAD exomes below 0.00001; TOPMed below 0.00001; ExAC 0.00001.
gnomAD v4.1: 14 of 1,614,242 alleles (0.00087%); highest among the groups gnomAD compares: East Asian, 0.0022%; no homozygotes.

Submissions (8):

Cambridge Genomics Laboratory, East Genomic Laboratory Hub, NHS Genomic Medicine Service
Classification: Uncertain significance for Inherited breast cancer and ovarian cancer. Last evaluated: 2026-06-23. Review status: criteria provided, single submitter. Criteria: ACGS Best Practice Guidelines for Variant Classification in Rare Disease 2020. Collection method: clinical testing. Allele origin: germline. Affected: yes.

Ambry Genetics
Classification: Benign for Hereditary cancer-predisposing syndrome. Last evaluated: 2025-10-23. Review status: criteria provided, single submitter. Criteria: Ambry Variant Classification Scheme 2023. Collection method: clinical testing. Allele origin: germline.

Labcorp Genetics (formerly Invitae), Labcorp
Classification: Uncertain significance for Fanconi anemia complementation group O. Last evaluated: 2025-08-26. Review status: criteria provided, single submitter. Criteria: Invitae Variant Classification Sherloc (09022015). Collection method: clinical testing. Allele origin: germline.
Comment: This sequence change replaces arginine, which is basic and polar, with glutamine, which is neutral and polar, at codon 24 of the RAD51C protein (p.Arg24Gln). This variant is present in population databases (rs777554369, gnomAD 0.006%). This variant has not been reported in the literature in individuals affected with RAD51C-related conditions. ClinVar contains an entry for this variant (Variation ID: 229691). Invitae Evidence Modeling of protein sequence and biophysical properties (such as structural, functional, and spatial information, amino acid conservation, physicochemical variation, residue mobility, and thermodynamic stability) indicates that this missense variant is not expected to disrupt RAD51C protein function with a negative predictive value of 80%. RNA analysis performed to evaluate the impact of this missense change on mRNA splicing indicates it does not significantly alter splicing (internal data). In summary, the available evidence is currently insufficient to determine the role of this variant in disease. Therefore, it has been classified as a Variant of Uncertain Significance.

Quest Diagnostics Nichols Institute San Juan Capistrano
Classification: Uncertain significance. Last evaluated: 2025-07-23. Review status: criteria provided, single submitter. Criteria: Quest Diagnostics criteria. Collection method: clinical testing. Allele origin: unknown.
Comment: The RAD51C c.71G>A (p.Arg24Gln) variant has been reported in the published literature in an individual with breast cancer (PMID: 33471991 (2021), see also LOVD). The frequency of this variant in the general population (Genome Aggregation Database) is uninformative in the assessment of its pathogenicity. Analysis of this variant using bioinformatics tools for the prediction of the effect of amino acid changes on protein structure and function yielded conflicting predictions that this variant is benign or damaging. Based on the available information, we are unable to determine the clinical significance of this variant.

GeneDx
Classification: Uncertain significance. Last evaluated: 2024-04-02. Review status: criteria provided, single submitter. Criteria: GeneDx Variant Classification Process June 2021. Collection method: clinical testing. Allele origin: germline. Affected: yes.
Comment: Not observed at significant frequency in large population cohorts (gnomAD); In silico analysis supports that this missense variant has a deleterious effect on protein structure/function; Observed in individual(s) with breast cancer (PMID: 33471991); This variant is associated with the following publications: (PMID: 33471991)

Color Diagnostics, LLC DBA Color Health
Classification: Uncertain significance for Hereditary cancer-predisposing syndrome. Last evaluated: 2024-03-11. Review status: criteria provided, single submitter. Criteria: ACMG Guidelines, 2015. Collection method: clinical testing. Allele origin: germline.
Comment: This missense variant replaces arginine with glutamine at codon 24 of the RAD51C protein. Computational prediction suggests that this variant may not impact protein structure and function. To our knowledge, functional studies have not been reported for this variant. In an international breast cancer case-control meta-analysis, this variant was detected in 1/60466 cases and absent in 53461 unaffected controls (PMID: 33471991). This variant has been identified in 1/251464 chromosomes in the general population by the Genome Aggregation Database (gnomAD). The available evidence is insufficient to determine the role of this variant in disease conclusively. Therefore, this variant is classified as a Variant of Uncertain Significance.

Baylor Genetics
Classification: Uncertain significance for Breast-ovarian cancer, familial, susceptibility to, 3. Last evaluated: 2024-02-29. Review status: criteria provided, single submitter. Criteria: ACMG Guidelines, 2015. Collection method: clinical testing. Allele origin: unknown.

Women's Health and Genetics/Laboratory Corporation of America, LabCorp
Classification: Uncertain significance. Last evaluated: 2016-02-23. Review status: criteria provided, single submitter. Criteria: LabCorp Variant Classification Summary - May 2015. Collection method: clinical testing. Allele origin: germline.

Literature cited by the submitters: PubMed 33471991 (cited by 3 submitters).

NM_058216.3(RAD51C):c.71G>A (p.Arg24Gln)

Gene: RAD51C (RAD51 paralog C; plus strand). Cytogenetic location: 17q22.
Variant type: single nucleotide variant.
Coding change: c.71G>A on transcript NM_058216.3 (MANE Select); coding-DNA position 71, G replaced by A.
Protein change: p.Arg24Gln; replaces arginine 24 with glutamine.
Molecular consequence: missense variant. On other transcripts: non-coding transcript variant (1).
Genome position (GRCh38, 1-based): chr17:58,692,714, G>A. VCF-style: chr17-58692714-G-A. GRCh37 (hg19) VCF-style: chr17-56770075-G-A.
Other names: c.71G>A, p.Arg24Gln (NM_002876.4); short protein forms R24Q.
Identifiers: ClinVar variation 229691 (VCV000229691.27), dbSNP rs777554369, ClinGen allele CA8677136.